The following is an entry in ClinVar:

NM_004463.3(FGD1):c.277dup (p.Tyr93fs)

Gene: FGD1 (FYVE, RhoGEF and PH domain containing 1; minus strand). Cytogenetic location: Xp11.22.
Variant type: Duplication.
Coding change: c.277dup on transcript NM_004463.3 (MANE Select); coding-DNA position 277, one base duplicated (T; older notation c.277dupT).
Protein change: p.Tyr93fs; shifts the reading frame from tyrosine 93.
Molecular consequence: frameshift variant.
Genome position (GRCh38, 1-based): chrX:54,495,156, A duplicated on the plus strand (T on the coding strand, the reverse complement: FGD1 is on the minus strand); the first of 2 consecutive A bases (chrX:54,495,156-54,495,157); duplicating either gives the same sequence. VCF-style (leftmost placement, unchanged base first): chrX-54495155-T-TA. GRCh37 (hg19) VCF-style: chrX-54521588-T-TA.
Other names: short protein forms Y93fs.
Identifiers: ClinVar variation 547364 (VCV000547364.2), dbSNP rs1557191567, ClinGen allele CA658824578.

ClinVar aggregate classification (germline): Pathogenic/Likely pathogenic. Review status: criteria provided, multiple submitters, no conflicts (2 of 4 stars). 2 submissions from 2 submitters: Pathogenic (1); Likely pathogenic (1). Last evaluated 2022-06-16.

Conditions:
Aarskog syndrome (AAS). Also called: Aarskog-Scott syndrome, X-linked; FGD1-Related Faciogenital Dysplasia (Aarskog-Scott Syndrome); FGDY; Aarskog Scott syndrome; Aarskog disease. Identifiers: Orphanet 915, MedGen C0175701, MONDO:0010589, OMIM 305400.

Submissions (2):

New York Genome Center
Classification: Pathogenic for Aarskog syndrome. Last evaluated: 2022-06-16. Review status: criteria provided, single submitter. Criteria: NYGC Assertion Criteria 2020. Collection method: clinical testing. Allele origin: de novo. Affected: yes. Observed: 1 hemizygote. Study: PrenatalSEQ.
Comment: The de novo hemizygous one nucleotide duplication [c.277dup, p.(Tyr93LeufsTer21)] identified in exon 1 (of 18) of FGD1 has not been reported in affected individuals in the literature, though it has been deposited in the ClinVar database as Likely Pathogenic by another genetic testing laboratory [Variation ID: 547364]. This c.277dup alters the wild-type translational reading frame and is predicted to cause loss of normal protein function either through protein truncation or nonsense-mediated mRNA decay. This variant is absent from population databases (gnomADv2, gnomADv3, TOPMed Freeze 8) suggesting it is not a common benign variant in populations represented in those databases. Based on the available evidence, the de novo hemizygous one nucleotide duplication [c.277dup, p.(Tyr93LeufsTer21)] identified in the FGD1 gene is reported as Pathogenic.

Center for Human Genetics, Inc
Classification: Likely pathogenic for Aarskog syndrome. Last evaluated: 2016-11-01. Review status: criteria provided, single submitter. Criteria: ACMG Guidelines, 2015. Collection method: clinical testing. Allele origin: germline. Affected: yes.